The following is an entry in ClinVar:

ClinVar aggregate classification (germline): Uncertain significance. Review status: criteria provided, multiple submitters, no conflicts (2 of 4 stars). 2 submissions from 2 submitters: Uncertain significance (2). Last evaluated 2023-11-02.

Conditions:
Familial isolated arrhythmogenic right ventricular dysplasia. Identifiers: Orphanet 217656, MedGen C4274968, MONDO:0016342.
Arrhythmogenic right ventricular dysplasia 11. Also called: Arrhythmogenic right ventricular dysplasia 11 with mild palmoplantar keratoderma and woolly hair; Arrhythmogenic Right Ventricular Dysplasia/Cardiomyopathy11; ARRHYTHMOGENIC RIGHT VENTRICULAR DYSPLASIA, FAMILIAL, 11. Identifiers: MedGen C1864850, MONDO:0012506, OMIM 610476.

Allele frequency attached by ClinVar (database versions not stated): gnomAD 0.00001; TOPMed below 0.00001; gnomAD exomes 0.00001.
gnomAD v4.1: 12 of 1,613,788 alleles (0.00074%); highest among the groups gnomAD compares: Non-Finnish European, 0.001%; no homozygotes.

Submissions (2):

All of Us Research Program, National Institutes of Health
Classification: Uncertain significance for Familial isolated arrhythmogenic right ventricular dysplasia. Last evaluated: 2023-11-02. Review status: criteria provided, single submitter. Criteria: ACMG Guidelines, 2015. Collection method: clinical testing. Allele origin: germline. Inheritance: Autosomal dominant inheritance. Observed: 1 variant allele, 1 heterozygote.
Comment: This variant causes a T to C nucleotide substitution at the +6 position of intron 10 of the DSC2 gene. To our knowledge, functional studies have not been reported for this variant. This variant has not been reported in individuals affected with cardiovascular disorders in the literature. This variant has been identified in 1/31412 chromosomes in the general population by the Genome Aggregation Database (gnomAD). The available evidence is insufficient to determine the role of this variant in disease conclusively. Therefore, this variant is classified as a Variant of Uncertain Significance.

This study involves interpretation of variants in research participants for the purpose of population health screening. Participant phenotype was not available at the time of variant classification. Additional details can be found in publication PMID: 35346344, PMCID: PMC8962531

Labcorp Genetics (formerly Invitae), Labcorp
Classification: Uncertain significance for Arrhythmogenic right ventricular dysplasia 11. Last evaluated: 2021-01-07. Review status: criteria provided, single submitter. Criteria: Invitae Variant Classification Sherloc (09022015). Collection method: clinical testing. Allele origin: germline.
Comment: This sequence change falls in intron 10 of the DSC2 gene. It does not directly change the encoded amino acid sequence of the DSC2 protein. It affects a nucleotide within the consensus splice site of the intron. This variant is not present in population databases (ExAC no frequency). This variant has not been reported in the literature in individuals with DSC2-related conditions. Nucleotide substitutions within the consensus splice site are a relatively common cause of aberrant splicing (PMID: 17576681, 9536098). Experimental studies and prediction algorithms are not available or were not evaluated, and the effect of this variant on mRNA splicing is currently unknown. In summary, the available evidence is currently insufficient to determine the role of this variant in disease. Therefore, it has been classified as a Variant of Uncertain Significance.

Literature cited by the submitters: PubMed 17576681 (cited by Labcorp Genetics (formerly Invitae), Labcorp); PubMed 9536098 (cited by Labcorp Genetics (formerly Invitae), Labcorp).

NM_024422.6(DSC2):c.1520+6T>C

Gene: DSC2 (desmocollin 2; minus strand). Cytogenetic location: 18q12.1.
Variant type: single nucleotide variant.
Coding change: c.1520+6T>C on transcript NM_024422.6 (MANE Select); 6 bases into the intron after coding-DNA position 1520, T replaced by C.
Molecular consequence: intron variant.
Genome position (GRCh38, 1-based): chr18:31,080,090, A>G on the plus strand (T>C on the coding strand, the complement: DSC2 is on the minus strand). VCF-style: chr18-31080090-A-G. GRCh37 (hg19) VCF-style: chr18-28660056-A-G.
Other names: c.1520+6T>C (NM_004949.5).
Identifiers: ClinVar variation 1403288 (VCV001403288.4), dbSNP rs1029243199, ClinGen allele CA297636968.